The following is an entry in ClinVar:

NM_002968.3(SALL1):c.477_480dup (p.Gly161fs)

Gene: SALL1 (spalt like transcription factor 1; minus strand). Cytogenetic location: 16q12.1.
Variant type: Duplication.
Coding change: c.477_480dup on transcript NM_002968.3 (MANE Select); coding-DNA positions 477 to 480, 4 bases duplicated (CGGC; older notation c.477_480dupCGGC).
Protein change: p.Gly161fs; shifts the reading frame from glycine 161.
Molecular consequence: frameshift variant.
Genome position (GRCh38, 1-based): chr16:51,141,742-51,141,745, GCCG duplicated on the plus strand (CGGC on the coding strand, the reverse complement: SALL1 is on the minus strand). VCF-style (leftmost placement, unchanged base first): chr16-51141741-C-CGCCG. GRCh37 (hg19) VCF-style: chr16-51175652-C-CGCCG.
Other names: c.186_189dup, p.Gly64fs (NM_001127892.2); short protein forms G161fs, G64fs.
Identifiers: ClinVar variation 3765526 (VCV003765526.1).
Genomic context (GRCh38, chr16:51,141,741, plus strand): 5'-CCCCGAGTTGAGGTAGAGAGGTTGTGATCGCTGAGGTACCTGTGGAGGAGCTGCCGCCGC[C>CGCCG]GCCGCTGCTGCTGCTGCTGCTGCTGCTGCTGCTTGGGGCGGTACTGCTGTGGCTGCCGCT-3'

ClinVar aggregate classification (germline): Pathogenic (1 of 4 stars; one submission).

Conditions:
Townes-Brocks syndrome 1 (TBS1). Also called: SALL1-Related Townes-Brocks Syndrome; DEAFNESS, SENSORINEURAL, WITH IMPERFORATE ANUS AND THUMB ANOMALIES; REAR SYNDROME; RENAL-EAR-ANAL-RADIAL SYNDROME. Identifiers: Orphanet 857, MedGen C4551481, MONDO:0054581, OMIM 107480.

Submission:

Centre de Biologie Pathologie Génétique, Centre Hospitalier Universitaire de Lille
Classification: Pathogenic for Townes-Brocks syndrome 1. Last evaluated: 2025-02-27. Review status: criteria provided, single submitter. Criteria: ACMG Guidelines, 2015. Collection method: clinical testing. Allele origin: inherited. Inheritance: Autosomal dominant inheritance. Affected: yes.
Comment: PVS1 + PM2 + PP4 + PP1